The following is an entry in ClinVar:

NM_000094.4(COL7A1):c.3118G>A (p.Ala1040Thr)

Gene: COL7A1 (collagen type VII alpha 1 chain; minus strand). Cytogenetic location: 3p21.31.
Variant type: single nucleotide variant.
Coding change: c.3118G>A on transcript NM_000094.4 (MANE Select); coding-DNA position 3118, G replaced by A.
Protein change: p.Ala1040Thr; replaces alanine 1040 with threonine.
Molecular consequence: missense variant.
Genome position (GRCh38, 1-based): chr3:48,587,211, C>T on the plus strand (G>A on the coding strand, the complement: COL7A1 is on the minus strand). VCF-style: chr3-48587211-C-T. GRCh37 (hg19) VCF-style: chr3-48624644-C-T.
Other names: short protein forms A1040T.
Identifiers: ClinVar variation 1433775 (VCV001433775.7), dbSNP rs113041019, ClinGen allele CA73985788.

ClinVar aggregate classification (germline): Uncertain significance (1 of 4 stars; one submission).

Allele frequency attached by ClinVar (database versions not stated): gnomAD 0.00001 and 0.00003; gnomAD exomes 0.00001; TOPMed 0.00003.
gnomAD v4.1: 28 of 1,613,574 alleles (0.0017%); highest among the groups gnomAD compares: African/African-American, 0.021%; 1 homozygote.

Submission:

Labcorp Genetics (formerly Invitae), Labcorp
Classification: Uncertain significance. Last evaluated: 2025-11-01. Review status: criteria provided, single submitter. Criteria: Invitae Variant Classification Sherloc (09022015). Collection method: clinical testing. Allele origin: germline.
Comment: This sequence change replaces alanine, which is neutral and non-polar, with threonine, which is neutral and polar, at codon 1040 of the COL7A1 protein (p.Ala1040Thr). This variant is not present in population databases (gnomAD no frequency). This variant has not been reported in the literature in individuals affected with COL7A1-related conditions. ClinVar contains an entry for this variant (Variation ID: 1433775). Invitae Evidence Modeling of protein sequence and biophysical properties (such as structural, functional, and spatial information, amino acid conservation, physicochemical variation, residue mobility, and thermodynamic stability) indicates that this missense variant is not expected to disrupt COL7A1 protein function with a negative predictive value of 95%. In summary, the available evidence is currently insufficient to determine the role of this variant in disease. Therefore, it has been classified as a Variant of Uncertain Significance.